The following is an entry in ClinVar:

NM_020822.3(KCNT1):c.3666GTC[1] (p.Ser1224del)

Gene: KCNT1 (potassium sodium-activated channel subfamily T member 1; plus strand). Cytogenetic location: 9q34.3.
Variant type: Microsatellite.
Coding change: c.3666GTC[1] on transcript NM_020822.3 (MANE Select); one copy of the 3-base unit GTC starting at c.3666; the reference has two copies in a row; one copy, 3 bases deleted.
Protein change: p.Ser1224del; deletes serine 1224.
Molecular consequence: inframe deletion.
Genome position (GRCh38, 1-based): chr9:135,792,122-135,792,124, GTC deleted; deleting any 3 consecutive bases within chr9:135,792,119-135,792,124 gives the same sequence; the position shown is the placement nearest the transcript's 3' end. VCF-style (leftmost placement, unchanged base first): chr9-135792118-TGTC-T. GRCh37 (hg19) VCF-style: chr9-138683964-TGTC-T.
Other names: c.3594GTC[1], p.Ser1200del (NM_001272003.2); short protein forms S1200del, S1224del.
Identifiers: ClinVar variation 2929701 (VCV002929701.3), dbSNP rs770254225, ClinGen allele CA5328013.

ClinVar aggregate classification (germline): Uncertain significance (1 of 4 stars; one submission).

Conditions:
Autosomal dominant nocturnal frontal lobe epilepsy 5. Also called: KCNT1-Related Epilepsy; CILIARY DYSKINESIA, PRIMARY, 28, WITH SITUS INVERSUS; CILIARY DYSKINESIA, PRIMARY, 28, WITHOUT SITUS INVERSUS; Epilepsy, nocturnal frontal lobe, 5. Identifiers: Orphanet 98784, MedGen C3554306, MONDO:0014002, OMIM 615005.
Developmental and epileptic encephalopathy, 14 (DEE14). Also called: Early infantile epileptic encephalopathy 14. Identifiers: Orphanet 293181, MedGen C3554195, MONDO:0013989, OMIM 614959.

Submission:

Labcorp Genetics (formerly Invitae), Labcorp
Classification: Uncertain significance for Autosomal dominant nocturnal frontal lobe epilepsy 5; Developmental and epileptic encephalopathy, 14. Last evaluated: 2025-01-13. Review status: criteria provided, single submitter. Criteria: Invitae Variant Classification Sherloc (09022015). Collection method: clinical testing. Allele origin: germline.
Comment: This variant, c.3669_3671del, results in the deletion of 1 amino acid(s) of the KCNT1 protein (p.Ser1224del), but otherwise preserves the integrity of the reading frame. This variant is present in population databases (rs770254225, gnomAD 0.01%). This variant has not been reported in the literature in individuals affected with KCNT1-related conditions. Experimental studies and prediction algorithms are not available or were not evaluated, and the functional significance of this variant is currently unknown. In summary, the available evidence is currently insufficient to determine the role of this variant in disease. Therefore, it has been classified as a Variant of Uncertain Significance.